The following is an entry in ClinVar:

ClinVar aggregate classification (germline): Pathogenic (1 of 4 stars; one submission).

Submission:

Labcorp Genetics (formerly Invitae), Labcorp
Classification: Pathogenic. Last evaluated: 2023-12-03. Review status: criteria provided, single submitter. Criteria: Invitae Variant Classification Sherloc (09022015). Collection method: clinical testing. Allele origin: unknown.
Comment: This variant is a gross deletion of the genomic region encompassing exon(s) 18-22 of the ERCC2 gene. This variant would be expected to be in-frame, preserving the integrity of the reading frame. This variant has not been reported in the literature in individuals affected with ERCC2-related conditions. This variant disrupts a region of the ERCC2 protein in which other variant(s) (p.Arg722Trp) have been determined to be pathogenic (PMID: 31282071, 31803976). This suggests that this is a clinically significant region of the protein, and that variants that disrupt it are likely to be disease-causing. For these reasons, this variant has been classified as Pathogenic.

Literature cited by the submitters: PubMed 31282071; PubMed 31803976.

NC_000019.9:g.(?_45855459)_(45857303_?)del

Gene: ERCC2 (ERCC excision repair 2, TFIIH core complex helicase subunit; minus strand). Cytogenetic location: 19q13.32.
Variant type: Deletion.
Identifiers: ClinVar variation 3242643 (VCV003242643.1).